The following is an entry in ClinVar:

NM_000123.4(ERCC5):c.640C>T (p.Arg214Cys)

Genes: BIVM-ERCC5 (BIVM-ERCC5 readthrough; plus strand), ERCC5 (ERCC excision repair 5, endonuclease; plus strand). Cytogenetic location: 13q33.1.
Variant type: single nucleotide variant.
Coding change: c.640C>T on transcript NM_000123.4 (MANE Select); coding-DNA position 640, C replaced by T.
Protein change: p.Arg214Cys; replaces arginine 214 with cysteine.
Molecular consequence: missense variant.
Genome position (GRCh38, 1-based): chr13:102,858,386, C>T. VCF-style: chr13-102858386-C-T. GRCh37 (hg19) VCF-style: chr13-103510736-C-T.
Other names: c.2002C>T, p.Arg668Cys (NM_001204425.2); c.2002C>T (NM_001204425.1); short protein forms R214C, R668C.
Identifiers: ClinVar variation 134180 (VCV000134180.33), dbSNP rs56255799, ClinGen allele CA159022.

ClinVar aggregate classification (germline): Benign/Likely benign. Review status: criteria provided, multiple submitters, no conflicts (2 of 4 stars). 9 submissions from 9 submitters: Benign (5); Likely benign (2). 2 of the submissions do not count toward it. Last evaluated 2026-02-01.

Conditions:
ERCC5-related disorder. Also called: ERCC5-related condition.
Xeroderma pigmentosum, group G (XPG). Also called: XERODERMA PIGMENTOSUM VII; XP, GROUP G; Xeroderma pigmentosum type 7; ERCC5-Related Xeroderma Pigmentosum. Identifiers: MedGen C0268141, MONDO:0010216, OMIM 278780.
Cerebrooculofacioskeletal syndrome 3 (COFS3). Identifiers: MedGen C1851443, MONDO:0014696, OMIM 616570.

Allele frequency attached by ClinVar (database versions not stated): ESP Exome Variant Server 0.00031; gnomAD 0.00086 and 0.00127; gnomAD exomes 0.00108 and 0.00282; TOPMed 0.00117; ExAC 0.00277; 1000 Genomes Project 30x 0.00437; 1000 Genomes Project 0.00519.
gnomAD v4.1: 1,804 of 1,613,986 alleles (0.11%); highest among the groups gnomAD compares: East Asian, 1.2%; 21 homozygotes.

Submissions (9):

CeGaT Center for Human Genetics Tuebingen
Classification: Benign. Last evaluated: 2026-02-01. Review status: criteria provided, single submitter. Criteria: CeGaT Center For Human Genetics Tuebingen Variant Classification Criteria Version 2. Collection method: clinical testing. Allele origin: germline. Affected: yes. Observed: 3 variant alleles.
Comment: ERCC5: BP4, BS1, BS2

Labcorp Genetics (formerly Invitae), Labcorp
Classification: Benign. Last evaluated: 2026-01-27. Review status: criteria provided, single submitter. Criteria: Invitae Variant Classification Sherloc (09022015). Collection method: clinical testing. Allele origin: germline.

KCCC/NGS Laboratory, Kuwait Cancer Control Center
Classification: Benign for Xeroderma pigmentosum, group G. Last evaluated: 2025-02-01. Review status: criteria provided, single submitter. Criteria: ACMG Guidelines, 2015. Collection method: clinical testing. Allele origin: germline. Affected: no.

Fulgent Genetics
Classification: Benign for Xeroderma pigmentosum, group G; Cerebrooculofacioskeletal syndrome 3. Last evaluated: 2021-08-16. Review status: criteria provided, single submitter. Criteria: ACMG Guidelines, 2015. Collection method: clinical testing. Allele origin: unknown.

Illumina Laboratory Services, Illumina
Classification: Benign for Xeroderma pigmentosum, group G. Last evaluated: 2018-01-13. Review status: criteria provided, single submitter. Criteria: ICSL Variant Classification Criteria 13 December 2019. Collection method: clinical testing. Allele origin: germline.
Comment: This variant was observed in the ICSL laboratory as part of a predisposition screen in an ostensibly healthy population. It had not been previously curated by ICSL or reported in the Human Gene Mutation Database (HGMD: prior to June 1st, 2018), and was therefore a candidate for classification through an automated scoring system. Utilizing variant allele frequency, disease prevalence and penetrance estimates, and inheritance mode, an automated score was calculated to assess if this variant is too frequent to cause the disease. Based on the score and internal cut-off values, a variant classified as benign is not then subjected to further curation. The score for this variant resulted in a classification of benign for this disease.

Center for Pediatric Genomic Medicine, Children's Mercy Hospital and Clinics
Classification: Likely benign. Last evaluated: 2017-03-29. Review status: criteria provided, single submitter. Criteria: ACMG Guidelines, 2015. Collection method: clinical testing. Allele origin: germline.

Breakthrough Genomics
Classification: Likely benign. Review status: criteria provided, single submitter. Criteria: ACMG Guidelines, 2015. Collection method: not provided. Allele origin: germline. Inheritance: Autosomal recessive inheritance. Affected: yes.

PreventionGenetics, part of Exact Sciences
Classification: Likely benign for ERCC5-related condition. Last evaluated: 2019-03-29. Review status: no assertion criteria provided. Collection method: clinical testing. Allele origin: germline. Not counted in ClinVar's aggregate classification.
Comment: This variant is classified as likely benign based on ACMG/AMP sequence variant interpretation guidelines (Richards et al. 2015 PMID: 25741868, with internal and published modifications).

ITMI
No classification provided. Condition: AllHighlyPenetrant. Last evaluated: 2013-09-19. Review status: no classification provided. Collection method: reference population. Allele origin: germline. Not counted in ClinVar's aggregate classification.
Comment: Please see associated publication for description of ethnicities

Literature cited by the submitters: PubMed 24728327 (cited by ITMI).